The following is an entry in ClinVar:

NM_004656.4(BAP1):c.1217A>G (p.Glu406Gly)

Gene: BAP1 (BRCA1 associated deubiquitinase 1; minus strand). Cytogenetic location: 3p21.1.
Variant type: single nucleotide variant.
Coding change: c.1217A>G on transcript NM_004656.4 (MANE Select); coding-DNA position 1217, A replaced by G.
Protein change: p.Glu406Gly; replaces glutamic acid 406 with glycine.
Molecular consequence: missense variant.
Genome position (GRCh38, 1-based): chr3:52,404,486, T>C on the plus strand (A>G on the coding strand, the complement: BAP1 is on the minus strand). VCF-style: chr3-52404486-T-C. GRCh37 (hg19) VCF-style: chr3-52438502-T-C.
Other names: c.1163A>G, p.Glu388Gly (NM_001410772.1); short protein forms E388G, E406G.
Identifiers: ClinVar variation 3477855 (VCV003477855.4).

ClinVar aggregate classification (germline): Uncertain significance. Review status: criteria provided, multiple submitters, no conflicts (2 of 4 stars). 3 submissions from 3 submitters: Uncertain significance (3). Last evaluated 2024-10-31.

Conditions:
Hereditary cancer-predisposing syndrome. Also called: Tumor predisposition; Neoplastic Syndromes, Hereditary; Hereditary Cancer Syndrome; Hereditary neoplastic syndrome. Identifiers: Orphanet 140162, MedGen C0027672, MeSH D009386, MONDO:0015356.
BAP1-related tumor predisposition syndrome (TPDS1). Also called: Tumor susceptibility linked to germline BAP1 mutations; COMMON Syndrome; TUMOR PREDISPOSITION SYNDROME 1; BAP1 tumor predisposition syndrome. Identifiers: Orphanet 289539, MedGen C3280492, MONDO:0013692, OMIM 614327.

Submissions (3):

Ambry Genetics
Classification: Uncertain significance for Hereditary cancer-predisposing syndrome. Last evaluated: 2024-10-31. Review status: criteria provided, single submitter. Criteria: Ambry Variant Classification Scheme 2023. Collection method: clinical testing. Allele origin: germline.
Comment: The p.E406G variant (also known as c.1217A>G), located in coding exon 12 of the BAP1 gene, results from an A to G substitution at nucleotide position 1217. The glutamic acid at codon 406 is replaced by glycine, an amino acid with similar properties. This amino acid position is conserved. In addition, this alteration is predicted to be tolerated by in silico analysis. Based on the available evidence, the clinical significance of this variant remains unclear.

Labcorp Genetics (formerly Invitae), Labcorp
Classification: Uncertain significance for BAP1-related tumor predisposition syndrome. Last evaluated: 2024-10-17. Review status: criteria provided, single submitter. Criteria: Invitae Variant Classification Sherloc (09022015). Collection method: clinical testing. Allele origin: germline.
Comment: This sequence change replaces glutamic acid, which is acidic and polar, with glycine, which is neutral and non-polar, at codon 406 of the BAP1 protein (p.Glu406Gly). This variant is not present in population databases (gnomAD no frequency). This variant has not been reported in the literature in individuals affected with BAP1-related conditions. Invitae Evidence Modeling of protein sequence and biophysical properties (such as structural, functional, and spatial information, amino acid conservation, physicochemical variation, residue mobility, and thermodynamic stability) indicates that this missense variant is not expected to disrupt BAP1 protein function with a negative predictive value of 80%. In summary, the available evidence is currently insufficient to determine the role of this variant in disease. Therefore, it has been classified as a Variant of Uncertain Significance.

Blueprint Genetics
Classification: Uncertain significance. Last evaluated: 2023-03-17. Review status: criteria provided, single submitter. Criteria: ACMG Guidelines, 2015. Collection method: clinical testing. Allele origin: germline.